The following is an entry in ClinVar:

NM_005002.5(NDUFA9):c.806G>C (p.Ser269Thr)

Gene: NDUFA9 (NADH:ubiquinone oxidoreductase subunit A9; plus strand). Cytogenetic location: 12p13.32.
Variant type: single nucleotide variant.
Coding change: c.806G>C on transcript NM_005002.5 (MANE Select); coding-DNA position 806, G replaced by C.
Protein change: p.Ser269Thr; replaces serine 269 with threonine.
Molecular consequence: missense variant.
Genome position (GRCh38, 1-based): chr12:4,682,210, G>C. VCF-style: chr12-4682210-G-C. GRCh37 (hg19) VCF-style: chr12-4791376-G-C.
Other names: short protein forms S269T.
Identifiers: ClinVar variation 3659379 (VCV003659379.2).

ClinVar aggregate classification (germline): Uncertain significance (1 of 4 stars; one submission).

Submission:

Labcorp Genetics (formerly Invitae), Labcorp
Classification: Uncertain significance. Last evaluated: 2024-07-12. Review status: criteria provided, single submitter. Criteria: Invitae Variant Classification Sherloc (09022015). Collection method: clinical testing. Allele origin: germline.
Comment: This sequence change replaces serine, which is neutral and polar, with threonine, which is neutral and polar, at codon 269 of the NDUFA9 protein (p.Ser269Thr). This variant is not present in population databases (gnomAD no frequency). This variant has not been reported in the literature in individuals affected with NDUFA9-related conditions. An algorithm developed to predict the effect of missense changes on protein structure and function (PolyPhen-2) suggests that this variant is likely to be tolerated. In summary, the available evidence is currently insufficient to determine the role of this variant in disease. Therefore, it has been classified as a Variant of Uncertain Significance.